The following is an entry in ClinVar:

NM_206933.4(USH2A):c.8657T>C (p.Leu2886Pro)

Gene: USH2A (usherin; minus strand). Cytogenetic location: 1q41.
Variant type: single nucleotide variant.
Coding change: c.8657T>C on transcript NM_206933.4 (MANE Select); coding-DNA position 8657, T replaced by C.
Protein change: p.Leu2886Pro; replaces leucine 2886 with proline.
Molecular consequence: missense variant.
Genome position (GRCh38, 1-based): chr1:215,877,782, A>G on the plus strand (T>C on the coding strand, the complement: USH2A is on the minus strand). VCF-style: chr1-215877782-A-G. GRCh37 (hg19) VCF-style: chr1-216051124-A-G.
Other names: c.8657T>C (NM_206933.2); short protein forms L2886P.
Identifiers: ClinVar variation 3623995 (VCV003623995.3).
Genomic context (GRCh38, chr1:215,877,782, plus strand): 5'-TGCCAGCATTTGTTTTTATAGTTTTTGTAATCTCACCTGCTAAGACCCTTATCTTCATAA[A>G]GCCACTGAGTTCCTGAATAAATATTGTGCCACCGATTTAAATCTTCTGGGGGATTTGATG-3'
Protein context (NP_996816.3, residues 2876-2896): WHNIYSGTQW[Leu2886Pro]YEDKGLSRFT

ClinVar aggregate classification (germline): Uncertain significance. Review status: criteria provided, multiple submitters, no conflicts (2 of 4 stars). 2 submissions from 2 submitters: Uncertain significance (2). Last evaluated 2025-08-09.

Conditions:
Inborn genetic diseases. Identifiers: MedGen C0950123, MeSH D030342.

Submissions (2):

Ambry Genetics
Classification: Uncertain significance for Inborn genetic diseases. Last evaluated: 2025-08-09. Review status: criteria provided, single submitter. Criteria: Ambry Variant Classification Scheme 2023. Collection method: clinical testing. Allele origin: germline.

Labcorp Genetics (formerly Invitae), Labcorp
Classification: Uncertain significance. Last evaluated: 2024-05-16. Review status: criteria provided, single submitter. Criteria: Invitae Variant Classification Sherloc (09022015). Collection method: clinical testing. Allele origin: germline.
Comment: This sequence change replaces leucine, which is neutral and non-polar, with proline, which is neutral and non-polar, at codon 2886 of the USH2A protein (p.Leu2886Pro). This variant is not present in population databases (gnomAD no frequency). This variant has not been reported in the literature in individuals affected with USH2A-related conditions. Advanced modeling of protein sequence and biophysical properties (such as structural, functional, and spatial information, amino acid conservation, physicochemical variation, residue mobility, and thermodynamic stability) performed at Invitae indicates that this missense variant is not expected to disrupt USH2A protein function with a negative predictive value of 95%. In summary, the available evidence is currently insufficient to determine the role of this variant in disease. Therefore, it has been classified as a Variant of Uncertain Significance.